The following is an entry in ClinVar:

ClinVar aggregate classification (germline): Uncertain significance. Review status: criteria provided, multiple submitters, no conflicts (2 of 4 stars). 5 submissions from 5 submitters: Uncertain significance (5). Last evaluated 2025-12-24.

Conditions:
Cardiovascular phenotype. Identifiers: MedGen CN230736.
Hypertrophic cardiomyopathy 12. Identifiers: MedGen C2677491, MONDO:0012804, OMIM 612124.
Dilated cardiomyopathy 1M (CMD1M). Identifiers: Orphanet 154, MedGen C1843808, MONDO:0011840, OMIM 607482.

Allele frequency attached by ClinVar (database versions not stated): TOPMed 0.00005; ESP Exome Variant Server 0.00008.
gnomAD v4.1: 22 of 1,614,002 alleles (0.0014%); highest among the groups gnomAD compares: African/African-American, 0.011%; no homozygotes.

Submissions (5):

Labcorp Genetics (formerly Invitae), Labcorp
Classification: Uncertain significance for Hypertrophic cardiomyopathy 12; Dilated cardiomyopathy 1M. Last evaluated: 2025-12-24. Review status: criteria provided, single submitter. Criteria: Invitae Variant Classification Sherloc (09022015). Collection method: clinical testing. Allele origin: germline.
Comment: This sequence change replaces glycine, which is neutral and non-polar, with serine, which is neutral and polar, at codon 89 of the CSRP3 protein (p.Gly89Ser). This variant is present in population databases (rs367827746, gnomAD 0.04%). This variant has not been reported in the literature in individuals affected with CSRP3-related conditions. ClinVar contains an entry for this variant (Variation ID: 163012). An algorithm developed to predict the effect of missense changes on protein structure and function (PolyPhen-2) suggests that this variant is likely to be tolerated. In summary, the available evidence is currently insufficient to determine the role of this variant in disease. Therefore, it has been classified as a Variant of Uncertain Significance.

Ambry Genetics
Classification: Uncertain significance for Cardiovascular phenotype. Last evaluated: 2025-04-05. Review status: criteria provided, single submitter. Criteria: Ambry Variant Classification Scheme 2023. Collection method: clinical testing. Allele origin: germline.

Victorian Clinical Genetics Services, Murdoch Childrens Research Institute
Classification: Uncertain significance for Hypertrophic cardiomyopathy 12. Last evaluated: 2023-07-17. Review status: criteria provided, single submitter. Criteria: ACMG Guidelines, 2015. Collection method: clinical testing. Allele origin: germline. Inheritance: Autosomal dominant inheritance. Affected: yes.
Comment: Based on the classification scheme VCGS_Germline_v1.3.4, this variant is classified as VUS-3B. Following criteria are met: 0105 - The mechanism of disease for this gene is not clearly established. (I) 0107 - This gene is associated with autosomal dominant disease. (I) 0200 - Variant is predicted to result in a missense amino acid change from glycine to serine. (I) 0251 - This variant is heterozygous. (I) 0302 - Variant is present in gnomAD (v2) <0.001 for a dominant condition (9 heterozygotes, 0 homozygotes). (I) 0309 - An alternative amino acid change at the same position has been observed in gnomAD (v2) (5 heterozygotes, 0 homozygotes). (I) 0310 - Variant is present in gnomAD (v2) >=0.001 and <0.01 for a dominant condition (9 heterozygotes, 0 homozygotes). (I) 0502 - Missense variant with conflicting in silico predictions and uninformative conservation. (I) 0604 - Variant is not located in an established domain, motif, hotspot or informative constraint region. (I) 0710 – Another missense variant, comparable to the one identified in this case has inconclusive previous evidence for pathogenicity. p.(Gly89Cys) has previously been classified a VUS, however no clinical information was provided (ClinVar, LOVD) (I) 0809 - Previous evidence of pathogenicity for this variant is inconclusive. This variant has previously been classified as a VUS with no further clinical information provided (ClinVar). (I) 0905 - No published segregation evidence has been identified for this variant. (I) 1007 - No published functional evidence has been identified for this variant. (I) 1208 - Inheritance information for this variant is not currently available in this individual. (I) Legend: (SP) - Supporting pathogenic, (I) - Information, (SB) - Supporting benign

Illumina Laboratory Services, Illumina
Classification: Uncertain significance for Hypertrophic cardiomyopathy 12. Last evaluated: 2018-01-12. Review status: criteria provided, single submitter. Criteria: ICSL Variant Classification Criteria 13 December 2019. Collection method: clinical testing. Allele origin: germline.

Laboratory for Molecular Medicine, Mass General Brigham Personalized Medicine
Classification: Uncertain significance. Last evaluated: 2013-08-23. Review status: criteria provided, single submitter. Criteria: LMM Criteria. Collection method: clinical testing. Allele origin: germline. Observed: 1 variant allele.
Comment: The Gly89Ser variant in CSRP3 has not been reported in individuals with cardiomy opathy, but has been identified in 1/4398 African American chromosomes by the NH LBI Exome Sequencing Project. Computational analyses (biochemical amino acid properties, conservation, AlignGVGD, PolyPhen2, and SIFT) do not provide strong support for or against an impact to the protein . Additional information is needed to fully assess the clinical significance of the Gly89Ser variant.

NM_003476.5(CSRP3):c.265G>A (p.Gly89Ser)

Gene: CSRP3 (cysteine and glycine rich protein 3; minus strand). Cytogenetic location: 11p15.1.
Variant type: single nucleotide variant.
Coding change: c.265G>A on transcript NM_003476.5 (MANE Select); coding-DNA position 265, G replaced by A.
Protein change: p.Gly89Ser; replaces glycine 89 with serine.
Molecular consequence: missense variant. On other transcripts: intron variant (1).
Genome position (GRCh38, 1-based): chr11:19,188,152, C>T on the plus strand (G>A on the coding strand, the complement: CSRP3 is on the minus strand). VCF-style: chr11-19188152-C-T. GRCh37 (hg19) VCF-style: chr11-19209699-C-T.
Other names: c.113-1804G>A (NM_001369404.1); short protein forms G89S.
Identifiers: ClinVar variation 163012 (VCV000163012.19), dbSNP rs367827746, ClinGen allele CA175603.